The following is an entry in ClinVar:

NM_000113.3(TOR1A):c.561C>T (p.Leu187=)

Gene: TOR1A (torsin family 1 member A; minus strand). Cytogenetic location: 9q34.11.
Variant type: single nucleotide variant.
Coding change: c.561C>T on transcript NM_000113.3 (MANE Select); coding-DNA position 561, C replaced by T.
Protein change: p.Leu187=; no amino-acid change (leucine 187 retained).
Molecular consequence: synonymous variant.
Genome position (GRCh38, 1-based): chr9:129,818,804, G>A on the plus strand (C>T on the coding strand, the complement: TOR1A is on the minus strand). VCF-style: chr9-129818804-G-A. GRCh37 (hg19) VCF-style: chr9-132581083-G-A.
Identifiers: ClinVar variation 695881 (VCV000695881.50), dbSNP rs115847158, ClinGen allele CA5278621.
Genomic context (GRCh38, chr9:129,818,804, plus strand): 5'-CCTGAGAAATATGAACATGGCTTTCTGGTAGGAGACCCCATCCACCAGGTCATAATAGTC[G>A]AGGAAAGGCTTGATGGCATCTATGAGGCCTGCATGCATCTTATCCATTTCATCAAATATG-3'
Protein context (NP_000104.1, residues 177-197): AGLIDAIKPF[Leu187=]DYYDLVDGVS

ClinVar aggregate classification (germline): Benign/Likely benign. Review status: criteria provided, multiple submitters, no conflicts (2 of 4 stars). 5 submissions from 5 submitters: Benign (1); Likely benign (4). Last evaluated 2026-01-08.

Conditions:
Early-onset generalized limb-onset dystonia. Also called: Dystonia-1, torsion; Dystonia 1, modifier of; Oppenheim's dystonia; DYT-TOR1A; Early onset torsion dystonia; DYSTONIA 1, TORSION, AUTOSOMAL DOMINANT. Identifiers: Orphanet 256, MedGen C1851945, MONDO:0007492, OMIM 128100.
Dystonic disorder. Also called: Dystonia. Identifiers: MedGen C0013421, MONDO:0003441, HP:0001332.

Allele frequency attached by ClinVar (database versions not stated): TOPMed 0.00020; gnomAD 0.00031 and 0.00046; ESP Exome Variant Server 0.00038; gnomAD exomes 0.00057 and 0.00075; ExAC 0.00088; 1000 Genomes Project 30x 0.00094; 1000 Genomes Project 0.00120.
gnomAD v4.1: 885 of 1,613,642 alleles (0.055%); highest among the groups gnomAD compares: South Asian, 0.38%; 5 homozygotes.

Submissions (5):

Labcorp Genetics (formerly Invitae), Labcorp
Classification: Benign for Dystonic disorder. Last evaluated: 2026-01-08. Review status: criteria provided, single submitter. Criteria: Invitae Variant Classification Sherloc (09022015). Collection method: clinical testing. Allele origin: germline.

Blueprint Genetics
Classification: Likely benign. Last evaluated: 2024-11-25. Review status: criteria provided, single submitter. Criteria: ACMG Guidelines, 2015. Collection method: clinical testing. Allele origin: germline.

CeGaT Center for Human Genetics Tuebingen
Classification: Likely benign. Last evaluated: 2022-01-01. Review status: criteria provided, single submitter. Criteria: CeGaT Center For Human Genetics Tuebingen Variant Classification Criteria Version 2. Collection method: clinical testing. Allele origin: germline. Affected: yes. Observed: 1 variant allele.

GeneDx
Classification: Likely benign. Last evaluated: 2021-02-25. Review status: criteria provided, single submitter. Criteria: GeneDx Variant Classification Process June 2021. Collection method: clinical testing. Allele origin: germline. Affected: yes.

Illumina Laboratory Services, Illumina
Classification: Likely benign for Early-onset generalized limb-onset dystonia. Last evaluated: 2018-01-13. Review status: criteria provided, single submitter. Criteria: ICSL Variant Classification Criteria 13 December 2019. Collection method: clinical testing. Allele origin: germline.
Comment: This variant was observed in the ICSL laboratory as part of a predisposition screen in an ostensibly healthy population. It had not been previously curated by ICSL or reported in the Human Gene Mutation Database (HGMD: prior to June 1st, 2018), and was therefore a candidate for classification through an automated scoring system. Utilizing variant allele frequency, disease prevalence and penetrance estimates, and inheritance mode, an automated score was calculated to assess if this variant is too frequent to cause the disease. Based on the score and internal cut-off values, a variant classified as likely benign is not then subjected to further curation. The score for this variant resulted in a classification of likely benign for this disease.